The following is an entry in ClinVar:

NM_025114.4(CEP290):c.3488G>A (p.Arg1163Lys)

Gene: CEP290 (centrosomal protein 290; minus strand). Cytogenetic location: 12q21.32.
Variant type: single nucleotide variant.
Coding change: c.3488G>A on transcript NM_025114.4 (MANE Select); coding-DNA position 3488, G replaced by A.
Protein change: p.Arg1163Lys; replaces arginine 1163 with lysine.
Molecular consequence: missense variant.
Genome position (GRCh38, 1-based): chr12:88,090,813, C>T on the plus strand (G>A on the coding strand, the complement: CEP290 is on the minus strand). VCF-style: chr12-88090813-C-T. GRCh37 (hg19) VCF-style: chr12-88484590-C-T.
Other names: short protein forms R1163K.
Identifiers: ClinVar variation 5038732 (VCV005038732.1).

ClinVar aggregate classification (germline): Likely benign (1 of 4 stars; one submission).

gnomAD v4.1: 5 of 1,557,362 alleles (0.00032%); highest among the groups gnomAD compares: Admixed American, 0.0019%; no homozygotes.

Submission:

CeGaT Center for Human Genetics Tuebingen
Classification: Likely benign. Last evaluated: 2026-07-01. Review status: criteria provided, single submitter. Criteria: CeGaT Center For Human Genetics Tuebingen Variant Classification Criteria Version 2. Collection method: clinical testing. Allele origin: germline. Affected: yes. Observed: 1 variant allele.
Comment: CEP290: BP4